The following is an entry in ClinVar:

NM_001323289.2(CDKL5):c.1756_1759del (p.Ser586fs)

Gene: CDKL5 (cyclin dependent kinase like 5; plus strand). Cytogenetic location: Xp22.13.
Variant type: Deletion.
Coding change: c.1756_1759del on transcript NM_001323289.2 (MANE Select); coding-DNA positions 1756 to 1759, 4 bases deleted (TCTG; older notation c.1756_1759delTCTG).
Protein change: p.Ser586fs; shifts the reading frame from serine 586.
Molecular consequence: frameshift variant.
Genome position (GRCh38, 1-based): chrX:18,604,680-18,604,683, TCTG deleted; deleting any 4 consecutive bases within chrX:18,604,677-18,604,683 gives the same sequence; the c. name uses the placement nearest the transcript's 3' end. VCF-style (leftmost placement, unchanged base first): chrX-18604676-ACTGT-A. GRCh37 (hg19) VCF-style: chrX-18622796-ACTGT-A.
Other names: c.1756_1759del, p.Ser586fs (NM_001037343.2, NM_003159.3); short protein forms S586fs.
Identifiers: ClinVar variation 916588 (VCV000916588.1), dbSNP rs1926298368, ClinGen allele CA1139667245.
Genomic context (GRCh38, chrX:18,604,676, plus strand): 5'-TTCTAAGACGATGGAGGAATTGAAGCTGCCGGAGCACATGGACAGTAGCCATTCCCATTC[ACTGT>A]CTGCACCTCACGAATCTTTTTCTTATGGACTGGGCTACACCAGCCCCTTTTCTTCCCAGC-3'

ClinVar aggregate classification (germline): Pathogenic (1 of 4 stars; one submission).

Conditions:
Developmental and epileptic encephalopathy, 2 (DEE2). Also called: CDKL5 deficiency disorder; INFANTILE SPASM SYNDROME, X-LINKED 2. Identifiers: Orphanet 1934, Orphanet 3451, Orphanet 505652, MedGen C4750718, MONDO:0010396, OMIM 300672.

Submission:

Institute of Human Genetics, University of Leipzig Medical Center
Classification: Pathogenic for Developmental and epileptic encephalopathy, 2. Last evaluated: 2018-01-01. Review status: criteria provided, single submitter. Criteria: ACMG Guidelines, 2015. Collection method: clinical testing. Allele origin: de novo. Affected: yes.
Comment: This variant was identified as de novo (maternity and paternity confirmed).

Literature cited by the submitters: PubMed 31791873.